The following is an entry in ClinVar:

NM_001013663.2(PTRHD1):c.235C>G (p.Arg79Gly)

Genes: PTRHD1 (peptidyl-tRNA hydrolase domain containing 1; minus strand), LOC129933272 (ATAC-STARR-seq lymphoblastoid active region 15435; plus strand). Cytogenetic location: 2p23.3.
Variant type: single nucleotide variant.
Coding change: c.235C>G on transcript NM_001013663.2 (MANE Select); coding-DNA position 235, C replaced by G.
Protein change: p.Arg79Gly; replaces arginine 79 with glycine.
Molecular consequence: missense variant.
Genome position (GRCh38, 1-based): chr2:24,793,143, G>C on the plus strand (C>G on the coding strand, the complement: PTRHD1 is on the minus strand). VCF-style: chr2-24793143-G-C. GRCh37 (hg19) VCF-style: chr2-25016012-G-C.
Other names: p.Arg79Gly; short protein forms R79G.
Identifiers: ClinVar variation 4542540 (VCV004542540.1).
Genomic context (GRCh38, chr2:24,793,143, plus strand): 5'-CCCTCGATGTCTCAGCACCTCCCCCTCCGCCCGAGTGCCTCACCTCGAGGACCACTTTGC[G>C]CATGCGCCCCAGCTCTTGGAGGTAAGCGGCTGTGTGCGGGTGGTCGCGGTGAGTGTGCAA-3'
Protein context (NP_001013685.1, residues 69-89): AAYLQELGRM[Arg79Gly]KVVLEAPDET

ClinVar aggregate classification (germline): Uncertain significance (1 of 4 stars; one submission).

gnomAD v4.1: 6 of 1,612,782 alleles (0.00037%); highest among the groups gnomAD compares: South Asian, 0.0055%; no homozygotes.

Submission:

Mayo Clinic Laboratories, Mayo Clinic
Classification: Uncertain significance. Last evaluated: 2025-07-16. Review status: criteria provided, single submitter. Criteria: ACMG Guidelines, 2015. Collection method: clinical testing. Allele origin: germline. Observed: 1 variant allele.
Comment: BP4